The following is an entry in ClinVar:

ClinVar aggregate classification (germline): Uncertain significance. Review status: criteria provided, multiple submitters, no conflicts (2 of 4 stars). 2 submissions from 2 submitters: Uncertain significance (2). Last evaluated 2025-03-26.

Conditions:
Infantile-onset ascending hereditary spastic paralysis (IAHSP). Also called: Autosomal Recessive Juvenile Amyotrophic Lateral Sclerosis; Infantile-Onset Ascending Hereditary Spastic Paralysis (IAHSP). Identifiers: Orphanet 293168, MedGen C2931441, MONDO:0011797, OMIM 607225. Disease mechanism: loss of function.

Submissions (2):

Athena Diagnostics
Classification: Uncertain significance. Last evaluated: 2025-03-26. Review status: criteria provided, single submitter. Criteria: Athena Diagnostics Criteria. Collection method: clinical testing. Allele origin: unknown.
Comment: Available data are insufficient to determine the clinical significance of the variant at this time. The frequency of this variant in the general population is higher than would generally be expected for pathogenic variants in this gene.

Labcorp Genetics (formerly Invitae), Labcorp
Classification: Uncertain significance for Infantile-onset ascending hereditary spastic paralysis. Last evaluated: 2021-09-17. Review status: criteria provided, single submitter. Criteria: Invitae Variant Classification Sherloc (09022015). Collection method: clinical testing. Allele origin: germline.
Comment: This variant, c.3860_3865del, results in the deletion of 2 amino acid(s) of the ALS2 protein (p.Val1287_Pro1288del), but otherwise preserves the integrity of the reading frame. The frequency data for this variant in the population databases is considered unreliable, as metrics indicate poor data quality at this position in the ExAC database. This variant has not been reported in the literature in individuals affected with ALS2-related conditions. ClinVar contains an entry for this variant (Variation ID: 580937). Experimental studies and prediction algorithms are not available or were not evaluated, and the functional significance of this variant is currently unknown. In summary, the available evidence is currently insufficient to determine the role of this variant in disease. Therefore, it has been classified as a Variant of Uncertain Significance.

Literature cited by the submitters: PubMed 39044379 (cited by Athena Diagnostics); PubMed 32397312 (cited by Athena Diagnostics).

NM_020919.4(ALS2):c.3860_3865del (p.Val1287_Pro1288del)

Gene: ALS2 (alsin Rho guanine nucleotide exchange factor ALS2; minus strand). Cytogenetic location: 2q33.1.
Variant type: Deletion.
Coding change: c.3860_3865del on transcript NM_020919.4 (MANE Select); coding-DNA positions 3860 to 3865, 6 bases deleted (TGCCAG; older notation c.3860_3865delTGCCAG).
Protein change: p.Val1287_Pro1288del.
Molecular consequence: inframe deletion.
Genome position (GRCh38, 1-based): chr2:201,715,811-201,715,816, CTGGCA deleted on the plus strand (TGCCAG on the coding strand, the reverse complement: ALS2 is on the minus strand); deleting any 6 consecutive bases within chr2:201,715,811-201,715,819 gives the same sequence; the c. name uses the placement nearest the transcript's 3' end. VCF-style (leftmost placement, unchanged base first): chr2-201715810-GCTGGCA-G. GRCh37 (hg19) VCF-style: chr2-202580533-GCTGGCA-G.
Other names: c.3860_3865del (NM_020919.3); c.3860_3865delTGCCAG (NM_020919.3).
Identifiers: ClinVar variation 580937 (VCV000580937.6), dbSNP rs759145161, ClinGen allele CA2057739.